The following is an entry in ClinVar:

ClinVar aggregate classification (germline): Pathogenic. Review status: criteria provided, single submitter (1 of 4 stars). 2 submissions from 2 submitters: Pathogenic (1). 1 of the submissions does not count toward it. Last evaluated 2023-08-21.

Conditions:
POLR3GL-related disorder. Also called: POLR3GL-related condition.
Short stature, oligodontia, dysmorphic facies, and motor delay. Identifiers: MedGen C5543206, MONDO:0030992, OMIM 619234.

Allele frequency attached by ClinVar (database versions not stated): gnomAD exomes 0.00001 and 0.00002.
gnomAD v4.1: 27 of 1,614,024 alleles (0.0017%); highest among the groups gnomAD compares: East Asian, 0.0022%; no homozygotes.

Submissions (2):

PreventionGenetics, part of Exact Sciences
Classification: Pathogenic for POLR3GL-related condition. Last evaluated: 2023-08-21. Review status: criteria provided, single submitter. Criteria: ACMG Guidelines, 2015. Collection method: clinical testing. Allele origin: germline.
Comment: The POLR3GL c.358C>T variant is predicted to result in premature protein termination (p.Arg120*). This variant was reported in the homozygous state in an individual with neonatal progeroid syndrome, with RNA studies demonstrating this variant results in nonsense mediated decay (Beauregard-Lacroix et al 2020. PubMed ID: 31695177). This variant is reported in 0.0054% of alleles in individuals of East Asian descent in gnomAD. This variant is interpreted as pathogenic.

OMIM
Classification: Pathogenic for SHORT STATURE, OLIGODONTIA, DYSMORPHIC FACIES, AND MOTOR DELAY. Last evaluated: 2021-03-16. Review status: no assertion criteria provided. Collection method: literature only. Allele origin: germline. Not counted in ClinVar's aggregate classification.

Literature cited by the submitters: PubMed 31695177 (cited by OMIM).

NM_032305.3(POLR3GL):c.358C>T (p.Arg120Ter)

Genes: POLR3GL (RNA polymerase III subunit GL; plus strand), LOC129931343 (ATAC-STARR-seq lymphoblastoid active region 1622; plus strand). Cytogenetic location: 1q21.1.
Variant type: single nucleotide variant.
Coding change: c.358C>T on transcript NM_032305.3 (MANE Select); coding-DNA position 358, C replaced by T.
Protein change: p.Arg120Ter; replaces arginine 120 with a stop codon.
Molecular consequence: nonsense.
Genome position (GRCh38, 1-based): chr1:145,977,515, C>T. VCF-style: chr1-145977515-C-T. GRCh37 (hg19) VCF-style: chr1-145457572-G-A.
Other names: c.289C>T, p.Arg97Ter (NM_001330685.2); short protein forms R120*, R97*.
Identifiers: ClinVar variation 1027603 (VCV001027603.2), dbSNP rs1401599439, ClinGen allele CA342129864.